The following is an entry in ClinVar:

NM_000245.4(MET):c.478T>C (p.Cys160Arg)

Gene: MET (MET proto-oncogene, receptor tyrosine kinase; plus strand). Cytogenetic location: 7q31.2.
Variant type: single nucleotide variant.
Coding change: c.478T>C on transcript NM_000245.4 (MANE Select); coding-DNA position 478, T replaced by C.
Protein change: p.Cys160Arg; replaces cysteine 160 with arginine.
Molecular consequence: missense variant. On other transcripts: intron variant (1).
Genome position (GRCh38, 1-based): chr7:116,699,562, T>C. VCF-style: chr7-116699562-T-C. GRCh37 (hg19) VCF-style: chr7-116339616-T-C.
Other names: c.478T>C, p.Cys160Arg (NM_001127500.3, NM_001324401.3); c.-91+26985T>C (NM_001324402.2); short protein forms C160R.
Identifiers: ClinVar variation 2826875 (VCV002826875.4), dbSNP rs2116589888, ClinGen allele CA368969170.

ClinVar aggregate classification (germline): Uncertain significance. Review status: criteria provided, multiple submitters, no conflicts (2 of 4 stars). 2 submissions from 2 submitters: Uncertain significance (2). Last evaluated 2025-08-24.

Conditions:
Hereditary cancer-predisposing syndrome. Also called: Neoplastic Syndromes, Hereditary; Hereditary neoplastic syndrome; Tumor predisposition; Hereditary Cancer Syndrome. Identifiers: Orphanet 140162, MedGen C0027672, MeSH D009386, MONDO:0015356.
Renal cell carcinoma. Identifiers: Orphanet 217071, MedGen C0007134, MeSH D002292, MONDO:0005086, HP:0005584.

Submissions (2):

Ambry Genetics
Classification: Uncertain significance for Hereditary cancer-predisposing syndrome. Last evaluated: 2025-08-24. Review status: criteria provided, single submitter. Criteria: Ambry Variant Classification Scheme 2023. Collection method: clinical testing. Allele origin: germline.
Comment: The p.C160R variant (also known as c.478T>C), located in coding exon 1 of the MET gene, results from a T to C substitution at nucleotide position 478. The cysteine at codon 160 is replaced by arginine, an amino acid with highly dissimilar properties. This amino acid position is conserved. In addition, the in silico prediction for this alteration is inconclusive. Based on the available evidence, the clinical significance of this variant remains unclear.

Labcorp Genetics (formerly Invitae), Labcorp
Classification: Uncertain significance for Renal cell carcinoma. Last evaluated: 2023-10-06. Review status: criteria provided, single submitter. Criteria: Invitae Variant Classification Sherloc (09022015). Collection method: clinical testing. Allele origin: germline.
Comment: This sequence change replaces cysteine, which is neutral and slightly polar, with arginine, which is basic and polar, at codon 160 of the MET protein (p.Cys160Arg). This variant is not present in population databases (gnomAD no frequency). This variant has not been reported in the literature in individuals affected with MET-related conditions. Advanced modeling of protein sequence and biophysical properties (such as structural, functional, and spatial information, amino acid conservation, physicochemical variation, residue mobility, and thermodynamic stability) performed at Invitae indicates that this missense variant is expected to disrupt MET protein function. In summary, the available evidence is currently insufficient to determine the role of this variant in disease. Therefore, it has been classified as a Variant of Uncertain Significance.